The following is an entry in ClinVar:

ClinVar aggregate classification (germline): Pathogenic/Likely pathogenic. Review status: criteria provided, multiple submitters, no conflicts (2 of 4 stars). 3 submissions from 3 submitters: Pathogenic (2); Likely pathogenic (1). Last evaluated 2023-11-20.

Conditions:
CNGA3-related disorders.
Achromatopsia 2 (ACHM2). Also called: COLORBLINDNESS, TOTAL; ROD MONOCHROMACY 2; ROD MONOCHROMATISM 2. Identifiers: Orphanet 49382, MedGen C1857618, MONDO:0009003, OMIM 216900.

Allele frequency attached by ClinVar (database versions not stated): gnomAD exomes below 0.00001.
gnomAD v4.1: 1 of 1,614,204 alleles (0.000062%); highest among the groups gnomAD compares: East Asian, 0.0022%; no homozygotes.

Submissions (3):

Blueprint Genetics
Classification: Pathogenic for CNGA3-related disorders. Last evaluated: 2023-11-20. Review status: criteria provided, single submitter. Criteria: ACMG Guidelines, 2015. Collection method: clinical testing. Allele origin: germline. Affected: yes. Observed: 2 variant alleles.

Labcorp Genetics (formerly Invitae), Labcorp
Classification: Pathogenic. Last evaluated: 2022-11-29. Review status: criteria provided, single submitter. Criteria: Invitae Variant Classification Sherloc (09022015). Collection method: clinical testing. Allele origin: germline.
Comment: This sequence change replaces serine, which is neutral and polar, with phenylalanine, which is neutral and non-polar, at codon 334 of the CNGA3 protein (p.Ser334Phe). This variant is not present in population databases (gnomAD no frequency). This missense change has been observed in individual(s) with achromatopsia and/or cone-rod dystrophy (PMID: 24148654, 24903488). In at least one individual the data is consistent with being in trans (on the opposite chromosome) from a pathogenic variant. ClinVar contains an entry for this variant (Variation ID: 1047372). Advanced modeling of protein sequence and biophysical properties (such as structural, functional, and spatial information, amino acid conservation, physicochemical variation, residue mobility, and thermodynamic stability) performed at Invitae indicates that this missense variant is expected to disrupt CNGA3 protein function. For these reasons, this variant has been classified as Pathogenic.

Juno Genomics, Hangzhou Juno Genomics, Inc
Classification: Likely pathogenic for Achromatopsia 2. Review status: criteria provided, single submitter. Criteria: ACMG Guidelines, 2015. Collection method: clinical testing. Allele origin: germline. Affected: yes.
Comment: Absent from controls (or at extremely low frequency if recessive) in Genome Aggregation Database.;Multiple lines of computational evidence support a deleterious effect on the gene or gene product.;For recessive disorders, detected in trans with a pathogenic variant.;Patient's phenotype or family history is highly specific for a disease with a single genetic etiology.

Literature cited by the submitters: PubMed 24148654 (cited by Labcorp Genetics (formerly Invitae), Labcorp); PubMed 24903488 (cited by Labcorp Genetics (formerly Invitae), Labcorp).

NM_001298.3(CNGA3):c.1001C>T (p.Ser334Phe)

Gene: CNGA3 (cyclic nucleotide gated channel subunit alpha 3; plus strand). Cytogenetic location: 2q11.2.
Variant type: single nucleotide variant.
Coding change: c.1001C>T on transcript NM_001298.3 (MANE Select); coding-DNA position 1001, C replaced by T.
Protein change: p.Ser334Phe; replaces serine 334 with phenylalanine.
Molecular consequence: missense variant.
Genome position (GRCh38, 1-based): chr2:98,396,171, C>T. VCF-style: chr2-98396171-C-T. GRCh37 (hg19) VCF-style: chr2-99012634-C-T.
Other names: c.947C>T, p.Ser316Phe (NM_001079878.2); short protein forms S316F, S334F.
Identifiers: ClinVar variation 1047372 (VCV001047372.10), dbSNP rs1692907593, ClinGen allele CA347832613.